The following is an entry in ClinVar:

ClinVar aggregate classification (germline): Benign. Review status: criteria provided, multiple submitters, no conflicts (2 of 4 stars). 2 submissions from 2 submitters: Benign (2). Last evaluated 2018-06-14.

Allele frequency attached by ClinVar (database versions not stated): 1000 Genomes Project 0.03947; TOPMed 0.04084; 1000 Genomes Project 30x 0.04100; gnomAD 0.03498 and 0.03752; gnomAD exomes 0.00343.
gnomAD v4.1: 6,609 of 889,103 alleles (0.74%); highest among the groups gnomAD compares: African/African-American, 12%; 303 homozygotes.

Submissions (2):

GeneDx
Classification: Benign. Last evaluated: 2018-06-14. Review status: criteria provided, single submitter. Criteria: GeneDx Variant Classification (06012015). Collection method: clinical testing. Allele origin: germline. Affected: yes.
Comment: This variant is considered likely benign or benign based on one or more of the following criteria: it is a conservative change, it occurs at a poorly conserved position in the protein, it is predicted to be benign by multiple in silico algorithms, and/or has population frequency not consistent with disease.

Breakthrough Genomics
Classification: Benign. Review status: criteria provided, single submitter. Criteria: ACMG Guidelines, 2015. Collection method: not provided. Allele origin: germline. Inheritance: X-linked inheritance. Affected: yes.

NM_004006.2(DMD):c.-127843C>T

Gene: DMD (dystrophin; minus strand). Cytogenetic location: Xp21.1.
Variant type: single nucleotide variant.
Coding change: c.-127843C>T on transcript NM_004006.2; 127843 bases upstream of the start codon, C replaced by T.
Molecular consequence: intron variant (on NM_000109.4).
Genome position (GRCh38, 1-based): chrX:33,339,155, G>A on the plus strand (C>T on the coding strand, the complement: DMD is on the minus strand). VCF-style: chrX-33339155-G-A. GRCh37 (hg19) VCF-style: chrX-33357272-G-A.
Other names: c.7+104C>T (NM_000109.4).
Identifiers: ClinVar variation 675741 (VCV000675741.4), dbSNP rs73463959, ClinGen allele CA328633265.